The following is an entry in ClinVar:

NC_000001.10:g.(98060723_98144650)_(98206036_98293669)del

Gene: DPYD (dihydropyrimidine dehydrogenase; minus strand). Cytogenetic location: 1p21.3.
Variant type: Deletion.
Identifiers: ClinVar variation 4689762 (VCV004689762.1).

ClinVar aggregate classification (germline): Likely pathogenic (1 of 4 stars; one submission).

Conditions:
Dihydropyrimidine dehydrogenase deficiency (DPYDD). Also called: DPD DEFICIENCY; DPYD DEFICIENCY; Hereditary Thymine-Uraciluria. Identifiers: Orphanet 1675, MedGen C1959620, MONDO:0010130, OMIM 274270.

Submission:

Women's Health and Genetics/Laboratory Corporation of America, LabCorp
Classification: Likely pathogenic for Dihydropyrimidine dehydrogenase deficiency. Last evaluated: 2026-01-23. Review status: criteria provided, single submitter. Criteria: LabCorp Variant Classification Summary - May 2015. Collection method: clinical testing. Allele origin: germline.
Comment: Variant summary: The variant involves the deletion of exons 4-8 in the DPYD gene. A presumed nomenclature of c.(233+1_234-1)_(850+1_851-1)del has been designated for the purposes of this classification. This Copy Number Variant (CNV) is expected to alter the reading frame and predicted to result in a truncation or absence of the encoded protein due to nonsense mediated decay (NMD). Loss-of-function variants in this gene are known to be pathogenic. The variant was absent in 21694 control chromosomes. To our knowledge, no occurrence of c.(233+1_234-1)_(850+1_851-1)del in individuals affected with DPYD-related conditions and no experimental evidence demonstrating its impact on protein function have been reported. No submitters have cited clinical-significance assessments for this variant to ClinVar. Based on the evidence outlined above, the variant was classified as likely pathogenic.